The following is an entry in ClinVar:

ClinVar aggregate classification (germline): Uncertain significance (1 of 4 stars; one submission).

Submission:

Ambry Genetics
Classification: Uncertain significance. Last evaluated: 2026-06-08. Review status: criteria provided, single submitter. Criteria: Ambry Variant Classification Scheme 2023. Collection method: clinical testing. Allele origin: germline.
Comment: The p.N562Y variant (also known as c.1684A>T), located in coding exon 17 of the KIF1B gene, results from an A to T substitution at nucleotide position 1684. The asparagine at codon 562 is replaced by tyrosine, an amino acid with dissimilar properties. This amino acid position is conserved. In addition, this alteration is predicted to be deleterious by in silico analysis. Based on the available evidence, the clinical significance of this variant remains unclear.

NM_001365951.3(KIF1B):c.1822A>T (p.Asn608Tyr)

Gene: KIF1B (kinesin family member 1B; plus strand). Cytogenetic location: 1p36.22.
Variant type: single nucleotide variant.
Coding change: c.1822A>T on transcript NM_001365951.3 (MANE Select); coding-DNA position 1822, A replaced by T.
Protein change: p.Asn608Tyr; replaces asparagine 608 with tyrosine.
Molecular consequence: missense variant.
Genome position (GRCh38, 1-based): chr1:10,296,626, A>T. VCF-style: chr1-10296626-A-T. GRCh37 (hg19) VCF-style: chr1-10356684-A-T.
Other names: c.1822A>T, p.Asn608Tyr (NM_001365952.1); c.1684A>T, p.Asn562Tyr (NM_001365953.1, NM_015074.3, NM_183416.4); short protein forms N562Y, N608Y.
Identifiers: ClinVar variation 4858885 (VCV004858885.1).